The following is an entry in ClinVar:

NM_052867.4(NALCN):c.2922A>G (p.Gln974=)

Gene: NALCN (sodium leak channel, non-selective; minus strand). Cytogenetic location: 13q33.1.
Variant type: single nucleotide variant.
Coding change: c.2922A>G on transcript NM_052867.4 (MANE Select); coding-DNA position 2922, A replaced by G.
Protein change: p.Gln974=; no amino-acid change (glutamine 974 retained).
Molecular consequence: synonymous variant.
Genome position (GRCh38, 1-based): chr13:101,103,307, T>C on the plus strand (A>G on the coding strand, the complement: NALCN is on the minus strand). VCF-style: chr13-101103307-T-C. GRCh37 (hg19) VCF-style: chr13-101755658-T-C.
Other names: c.3009A>G, p.Gln1003= (NM_001350748.2); c.2922A>G, p.Gln974= (NM_001350749.2); c.2835A>G, p.Gln945= (NM_001350750.2, NM_001350751.2).
Identifiers: ClinVar variation 2788911 (VCV002788911.3), dbSNP rs200235056, ClinGen allele CA255394548.

ClinVar aggregate classification (germline): Uncertain significance (1 of 4 stars; one submission).

Allele frequency attached by ClinVar (database versions not stated): gnomAD 0.00001; TOPMed 0.00001; gnomAD exomes below 0.00001.
gnomAD v4.1: 8 of 1,613,214 alleles (0.0005%); highest among the groups gnomAD compares: African/African-American, 0.004%; no homozygotes.

Submission:

Labcorp Genetics (formerly Invitae), Labcorp
Classification: Uncertain significance. Last evaluated: 2026-01-05. Review status: criteria provided, single submitter. Criteria: Invitae Variant Classification Sherloc (09022015). Collection method: clinical testing. Allele origin: germline.
Comment: This sequence change affects codon 974 of the NALCN mRNA. It is a 'silent' change, meaning that it does not change the encoded amino acid sequence of the NALCN protein. This variant is present in population databases (rs200235056, gnomAD 0.02%). This variant has not been reported in the literature in individuals affected with NALCN-related conditions. ClinVar contains an entry for this variant (Variation ID: 2788911). Algorithms developed to predict the effect of sequence changes on RNA splicing suggest that this variant may create or strengthen a splice site. In summary, the available evidence is currently insufficient to determine the role of this variant in disease. Therefore, it has been classified as a Variant of Uncertain Significance.